The following is an entry in ClinVar:

ClinVar aggregate classification (germline): Uncertain significance. Review status: criteria provided, multiple submitters, no conflicts (2 of 4 stars). 2 submissions from 2 submitters: Uncertain significance (2). Last evaluated 2026-08-13.

Conditions:
Compton-North congenital myopathy (CMYO12). Identifiers: Orphanet 210163, MedGen C2675527, MONDO:0012929, OMIM 612540.

Allele frequency attached by ClinVar (database versions not stated): ExAC 0.00002; gnomAD exomes 0.00001 and 0.00003; TOPMed 0.00002; gnomAD 0.00003.
gnomAD v4.1: 48 of 1,612,704 alleles (0.003%); highest among the groups gnomAD compares: Non-Finnish European, 0.0038%; no homozygotes.

Submissions (2):

GeneDx
Classification: Uncertain significance. Last evaluated: 2026-08-13. Review status: criteria provided, single submitter. Criteria: GeneDx Variant Classification Process June 2021. Collection method: clinical testing. Allele origin: germline.
Comment: Not observed at significant frequency in large population cohorts (gnomAD); In silico analysis suggests that this missense variant does not alter protein structure/function; Has not been previously published as pathogenic or benign to our knowledge

Labcorp Genetics (formerly Invitae), Labcorp
Classification: Uncertain significance for Compton-North congenital myopathy. Last evaluated: 2022-05-21. Review status: criteria provided, single submitter. Criteria: Invitae Variant Classification Sherloc (09022015). Collection method: clinical testing. Allele origin: germline.
Comment: This sequence change replaces isoleucine, which is neutral and non-polar, with valine, which is neutral and non-polar, at codon 218 of the CNTN1 protein (p.Ile218Val). This variant is present in population databases (rs752293954, gnomAD 0.003%). This variant has not been reported in the literature in individuals affected with CNTN1-related conditions. ClinVar contains an entry for this variant (Variation ID: 421726). Advanced modeling of protein sequence and biophysical properties (such as structural, functional, and spatial information, amino acid conservation, physicochemical variation, residue mobility, and thermodynamic stability) performed at Invitae indicates that this missense variant is not expected to disrupt CNTN1 protein function. In summary, the available evidence is currently insufficient to determine the role of this variant in disease. Therefore, it has been classified as a Variant of Uncertain Significance.

NM_001843.4(CNTN1):c.652A>G (p.Ile218Val)

Gene: CNTN1 (contactin 1; plus strand). Cytogenetic location: 12q12.
Variant type: single nucleotide variant.
Coding change: c.652A>G on transcript NM_001843.4 (MANE Select); coding-DNA position 652, A replaced by G.
Protein change: p.Ile218Val; replaces isoleucine 218 with valine.
Molecular consequence: missense variant.
Genome position (GRCh38, 1-based): chr12:40,929,951, A>G. VCF-style: chr12-40929951-A-G. GRCh37 (hg19) VCF-style: chr12-41323753-A-G.
Other names: c.652A>G, p.Ile218Val (NM_001256063.2, NM_001256064.2); c.619A>G, p.Ile207Val (NM_175038.2); short protein forms I218V, I207V.
Identifiers: ClinVar variation 421726 (VCV000421726.8), dbSNP rs752293954, ClinGen allele CA6516662.